The following is an entry in ClinVar:

ClinVar aggregate classification (germline): Pathogenic/Likely pathogenic. Review status: criteria provided, multiple submitters, no conflicts (2 of 4 stars). 10 submissions from 10 submitters: Pathogenic (7); Likely pathogenic (1). 2 of the submissions do not count toward it. Last evaluated 2025-05-19.

Conditions:
KIAA0586-related disorder. Also called: KIAA0586-related condition; KIAA0586- Related disorders.
Neurodevelopmental disorder. Identifiers: MedGen C1535926, MeSH D065886, MONDO:0700092.
Short-rib thoracic dysplasia 14 with polydactyly (SRTD14). Identifiers: Orphanet 397715, MedGen C4225286, MONDO:0014688, OMIM 616546.
Joubert syndrome 23 (JBTS23). Identifiers: Orphanet 475, MedGen C4084822, MONDO:0014664, OMIM 616490.
Rod-cone dystrophy. Identifiers: MedGen C4551714, HP:0000510.
Intellectual disability. Also called: Intellectual functioning disability; Intellectual developmental disorder; intellectual disabilities. Identifiers: MedGen C3714756, MeSH D008607, MONDO:0001071, HP:0001249.
Isolated cerebellar hypoplasia/agenesis (CHEGDD). Also called: Cerebellar hypoplasia/atrophy, epilepsy, and global developmental delay. Identifiers: Orphanet 1398, Orphanet 2246, MedGen C5231391, MONDO:0008939, OMIM 213000.

Allele frequency attached by ClinVar (database versions not stated): ExAC 0.00001; gnomAD 0.00002; gnomAD exomes 0.00002 and 0.00003; TOPMed 0.00002.

Submissions (10):

Labcorp Genetics (formerly Invitae), Labcorp
Classification: Pathogenic for Joubert syndrome 23; Short-rib thoracic dysplasia 14 with polydactyly. Last evaluated: 2025-05-19. Review status: criteria provided, single submitter. Criteria: Invitae Variant Classification Sherloc (09022015). Collection method: clinical testing. Allele origin: germline.
Comment: This sequence change creates a premature translational stop signal (p.Gln288Argfs*7) in the KIAA0586 gene. It is expected to result in an absent or disrupted protein product. Loss-of-function variants in KIAA0586 are known to be pathogenic (PMID: 26096313, 26166481, 26386044). This variant is present in population databases (rs770566897, gnomAD 0.008%). This premature translational stop signal has been observed in individual(s) with Joubert syndrome (PMID: 26096313). ClinVar contains an entry for this variant (Variation ID: 204596). For these reasons, this variant has been classified as Pathogenic.

Institute of Human Genetics, University of Leipzig Medical Center
Classification: Pathogenic for Joubert syndrome 23. Last evaluated: 2025-05-06. Review status: criteria provided, single submitter. Criteria: ACMG Guidelines, 2015. Collection method: clinical testing. Allele origin: unknown. Inheritance: Autosomal recessive inheritance. Affected: yes.
Comment: Criteria applied: PVS1,PM2,PM3; Identified as compund heterozygous with NM_001329943.3:c.392del

Blueprint Genetics
Classification: Likely pathogenic for KIAA0586-related disorders. Last evaluated: 2022-09-29. Review status: criteria provided, single submitter. Criteria: ACMG Guidelines, 2015. Collection method: clinical testing. Allele origin: germline. Affected: yes. Observed: 5 variant alleles.

GeneDx
Classification: Pathogenic. Last evaluated: 2022-08-05. Review status: criteria provided, single submitter. Criteria: GeneDx Variant Classification Process June 2021. Collection method: clinical testing. Allele origin: germline. Affected: yes.
Comment: Frameshift variant predicted to result in protein truncation or nonsense mediated decay in a gene for which loss of function is a known mechanism of disease; This variant is associated with the following publications: (PMID: 34611884, 26096313, 32581362, 26026149)

Laboratory of Molecular Genetics (Pr. Bezieau's lab), CHU de Nantes
Classification: Pathogenic for Neurodevelopmental disorder. Last evaluated: 2021-06-28. Review status: criteria provided, single submitter. Criteria: ACMG Guidelines, 2015. Collection method: clinical testing. Allele origin: germline. Affected: yes.

CeGaT Center for Human Genetics Tuebingen
Classification: Pathogenic. Last evaluated: 2017-08-01. Review status: criteria provided, single submitter. Criteria: CeGaT Center For Human Genetics Tuebingen Variant Classification Criteria Version 2. Collection method: clinical testing. Allele origin: germline. Affected: yes. Observed: 1 variant allele.

UW Hindbrain Malformation Research Program, University of Washington
Classification: Pathogenic for Joubert syndrome 23. Last evaluated: 2015-09-01. Review status: criteria provided, single submitter. Criteria: Submitter's publication. Collection method: research. Allele origin: unknown. Affected: yes.

Juno Genomics, Hangzhou Juno Genomics, Inc
Classification: Pathogenic for Joubert syndrome 23; Short-rib thoracic dysplasia 14 with polydactyly. Review status: criteria provided, single submitter. Criteria: ACMG Guidelines, 2015. Collection method: clinical testing. Allele origin: germline.
Comment: Absent from controls (or at extremely low frequency if recessive) in Genome Aggregation Database.;Null variant in a gene where loss of function (LOF) is a known mechanism of disease.;For recessive disorders, detected in trans with a pathogenic variant.;Patient's phenotype or family history is highly specific for a disease with a single genetic etiology.

OMIM
Classification: Pathogenic for JOUBERT SYNDROME 23. Last evaluated: 2015-06-11. Review status: no assertion criteria provided. Collection method: literature only. Allele origin: germline. Not counted in ClinVar's aggregate classification.

NIHR Bioresource Rare Diseases, University of Cambridge
Classification: Likely pathogenic for Rod-cone dystrophy; Intellectual disability; Cerebellar hypoplasia. Review status: no assertion criteria provided. Collection method: research. Allele origin: unknown. Affected: yes. Observed: 1 variant allele. Not counted in ClinVar's aggregate classification.

Literature cited by the submitters: PubMed 26096313 (cited by Labcorp Genetics (formerly Invitae), Labcorp and OMIM); PubMed 26166481 (cited by Labcorp Genetics (formerly Invitae), Labcorp); PubMed 26386044 (cited by Labcorp Genetics (formerly Invitae), Labcorp); PubMed 32581362 (cited by NIHR Bioresource Rare Diseases, University of Cambridge).

NM_001329943.3(KIAA0586):c.704_705del (p.Gln235fs)

Gene: KIAA0586 (KIAA0586; plus strand). Cytogenetic location: 14q23.1.
Variant type: Deletion.
Coding change: c.704_705del on transcript NM_001329943.3 (MANE Select); coding-DNA positions 704 to 705, 2 bases deleted (AA; older notation c.704_705delAA).
Protein change: p.Gln235fs; shifts the reading frame from glutamine 235.
Molecular consequence: frameshift variant.
Genome position (GRCh38, 1-based): chr14:58,444,072-58,444,073, AA deleted. VCF-style (leftmost placement, unchanged base first): chr14-58444071-CAA-C. GRCh37 (hg19) VCF-style: chr14-58910789-CAA-C.
Other names: c.863_864del (NM_001244189.1); c.863_864del, p.Gln288fs (NM_001244189.2); c.659_660del, p.Gln220fs (NM_001244190.2); c.449_450del, p.Gln150fs (NM_001244191.2, NM_001329945.2, NM_001364700.1 and 1 more transcripts); c.572_573del, p.Gln191fs (NM_001244192.2); c.284_285del, p.Gln95fs (NM_001244193.2); c.704_705del, p.Gln235fs (NM_001329944.2, NM_001329946.2, NM_001329947.2 and 1 more transcripts); short protein forms Q150fs, Q235fs, Q288fs, Q191fs, Q95fs, Q220fs.
Identifiers: ClinVar variation 204596 (VCV000204596.60), dbSNP rs770566897, ClinGen allele CA204050.